The following is an entry in ClinVar:

NM_052989.3(IFT122):c.2812A>G (p.Met938Val)

Gene: IFT122 (intraflagellar transport 122; plus strand). Cytogenetic location: 3q22.1.
Variant type: single nucleotide variant.
Coding change: c.2812A>G on transcript NM_052989.3 (MANE Select); coding-DNA position 2812, A replaced by G.
Protein change: p.Met938Val; replaces methionine 938 with valine.
Molecular consequence: missense variant.
Genome position (GRCh38, 1-based): chr3:129,507,688, A>G. VCF-style: chr3-129507688-A-G. GRCh37 (hg19) VCF-style: chr3-129226531-A-G.
Other names: c.2791A>G, p.Met931Val (NM_001280541.2); c.2362A>G, p.Met788Val (NM_001280545.2); c.2185A>G, p.Met729Val (NM_001280546.2); c.2815A>G, p.Met939Val (NM_001410808.1); c.2758A>G, p.Met920Val (NM_001410809.1); c.2638A>G, p.Met880Val (NM_001410810.1); c.2584A>G, p.Met862Val (NM_001410811.1); c.2581A>G, p.Met861Val (NM_001410813.1); and 5 more; short protein forms M810V, M862V, M879V, M729V, M828V, M920V, M938V, M788V.
Identifiers: ClinVar variation 1963435 (VCV001963435.5), dbSNP rs373735641, ClinGen allele CA2606666.

ClinVar aggregate classification (germline): Uncertain significance. Review status: criteria provided, multiple submitters, no conflicts (2 of 4 stars). 3 submissions from 3 submitters: Uncertain significance (3). Last evaluated 2024-05-01.

Conditions:
Inborn genetic diseases. Identifiers: MedGen C0950123, MeSH D030342.
Cranioectodermal dysplasia 1 (CED1). Also called: LEVIN SYNDROME I. Identifiers: Orphanet 1515, MedGen C0432235, MONDO:0021093, OMIM 218330.

Allele frequency attached by ClinVar (database versions not stated): ExAC 0.00002; TOPMed 0.00008; gnomAD 0.00009; gnomAD exomes 0.00012; ESP Exome Variant Server 0.00015.
gnomAD v4.1: 181 of 1,614,028 alleles (0.011%); highest among the groups gnomAD compares: Non-Finnish European, 0.015%; no homozygotes.

Submissions (3):

Fulgent Genetics
Classification: Uncertain significance for Cranioectodermal dysplasia 1. Last evaluated: 2024-05-01. Review status: criteria provided, single submitter. Criteria: ACMG Guidelines, 2015. Collection method: clinical testing. Allele origin: germline.

Labcorp Genetics (formerly Invitae), Labcorp
Classification: Uncertain significance for Cranioectodermal dysplasia 1. Last evaluated: 2022-06-29. Review status: criteria provided, single submitter. Criteria: Invitae Variant Classification Sherloc (09022015). Collection method: clinical testing. Allele origin: germline.
Comment: In summary, the available evidence is currently insufficient to determine the role of this variant in disease. Therefore, it has been classified as a Variant of Uncertain Significance. Algorithms developed to predict the effect of missense changes on protein structure and function are either unavailable or do not agree on the potential impact of this missense change (SIFT: "Tolerated"; PolyPhen-2: "Possibly Damaging"; Align-GVGD: "Class C0"). This variant has not been reported in the literature in individuals affected with IFT122-related conditions. This variant is present in population databases (rs373735641, gnomAD 0.009%). This sequence change replaces methionine, which is neutral and non-polar, with valine, which is neutral and non-polar, at codon 989 of the IFT122 protein (p.Met989Val).

Ambry Genetics
Classification: Uncertain significance for Inborn genetic diseases. Last evaluated: 2021-10-06. Review status: criteria provided, single submitter. Criteria: Ambry Variant Classification Scheme 2023. Collection method: clinical testing. Allele origin: germline.